The following is an entry in ClinVar:

ClinVar aggregate classification (germline): Uncertain significance (1 of 4 stars; one submission).

Allele frequency attached by ClinVar (database versions not stated): gnomAD exomes below 0.00001 and 0.00001; TOPMed below 0.00001; gnomAD 0.00001.
gnomAD v4.1: 14 of 1,614,120 alleles (0.00087%); highest among the groups gnomAD compares: Non-Finnish European, 0.0012%; no homozygotes.

Submission:

Labcorp Genetics (formerly Invitae), Labcorp
Classification: Uncertain significance. Last evaluated: 2021-03-20. Review status: criteria provided, single submitter. Criteria: Invitae Variant Classification Sherloc (09022015). Collection method: clinical testing. Allele origin: germline.
Comment: In summary, the available evidence is currently insufficient to determine the role of this variant in disease. Therefore, it has been classified as a Variant of Uncertain Significance. Algorithms developed to predict the effect of missense changes on protein structure and function are either unavailable or do not agree on the potential impact of this missense change (SIFT: "Tolerated"; PolyPhen-2: "Possibly Damaging"; Align-GVGD: "Class C0"). This variant has not been reported in the literature in individuals with HPS4-related conditions. This variant is not present in population databases (ExAC no frequency). This sequence change replaces proline with leucine at codon 472 of the HPS4 protein (p.Pro472Leu). The proline residue is weakly conserved and there is a moderate physicochemical difference between proline and leucine.

NM_022081.6(HPS4):c.1415C>T (p.Pro472Leu)

Gene: HPS4 (HPS4 biogenesis of lysosomal organelles complex 3 subunit 2; minus strand). Cytogenetic location: 22q12.1.
Variant type: single nucleotide variant.
Coding change: c.1415C>T on transcript NM_022081.6 (MANE Select); coding-DNA position 1415, C replaced by T.
Protein change: p.Pro472Leu; replaces proline 472 with leucine.
Molecular consequence: missense variant. On other transcripts: non-coding transcript variant (8).
Genome position (GRCh38, 1-based): chr22:26,464,215, G>A on the plus strand (C>T on the coding strand, the complement: HPS4 is on the minus strand). VCF-style: chr22-26464215-G-A. GRCh37 (hg19) VCF-style: chr22-26860181-G-A.
Other names: c.1415C>T, p.Pro472Leu (NM_001349896.1, NM_001349898.2, NM_001349899.2 and 4 more transcripts); c.1469C>T, p.Pro490Leu (NM_001349900.2, NM_001349901.1); c.1400C>T, p.Pro467Leu (NM_152841.2); short protein forms P472L, P467L, P490L.
Identifiers: ClinVar variation 1464978 (VCV001464978.8), dbSNP rs1411662887, ClinGen allele CA411027036.
Genomic context (GRCh38, chr22:26,464,215, plus strand): 5'-TCATCCAGGCCTTGTTCCCCCGTGGGAAGCTTGTTTCCTCTCTGTCCTGGATCTAAGCGA[G>A]GCAATAACAAGGGCCTGCGGGTCCTTCTGGGGAGAGGGTCTGCTCTGGGAATGGGGGCTT-3'
Protein context (NP_071364.4, residues 462-482): PRRTRRPLLL[Pro472Leu]RLDPGQRGNK